The following is an entry in ClinVar:

ClinVar aggregate classification (germline): Likely benign. Review status: criteria provided, multiple submitters, no conflicts (2 of 4 stars). 3 submissions from 3 submitters: Likely benign (3). Last evaluated 2025-03-21.

Conditions:
Cardiomyopathy (CMYO). Also called: Cardiomyopathies. Identifiers: Orphanet 167848, MedGen C0878544, MONDO:0004994, HP:0001638. Inheritance: Various modes of inheritance.
Arrhythmogenic cardiomyopathy with wooly hair and keratoderma. Also called: Dilated cardiomyopathy with woolly hair and keratoderma; PALMOPLANTAR KERATODERMA WITH LEFT VENTRICULAR CARDIOMYOPATHY AND WOOLLY HAIR; Carvajal syndrome; Arrhythmogenic cardiomyopathy with woolly hair and keratoderma. Identifiers: Orphanet 65282, MedGen C1854063, MONDO:0011581, OMIM 605676.
Arrhythmogenic right ventricular dysplasia 8 (ARVD8). Also called: Arrhythmogenic Right Ventricular Dysplasia/Cardiomyopathy 8; ARRHYTHMOGENIC RIGHT VENTRICULAR DYSPLASIA, FAMILIAL, 8; ARRHYTHMOGENIC RIGHT VENTRICULAR CARDIOMYOPATHY 8. Identifiers: MedGen C1843896, MONDO:0011831, OMIM 607450.

Allele frequency attached by ClinVar (database versions not stated): gnomAD exomes below 0.00001.
gnomAD v4.1: 1 of 1,613,924 alleles (0.000062%); highest among the groups gnomAD compares: Non-Finnish European, 0.000085%; no homozygotes.

Submissions (3):

Labcorp Genetics (formerly Invitae), Labcorp
Classification: Likely benign for Arrhythmogenic cardiomyopathy with wooly hair and keratoderma; Arrhythmogenic right ventricular dysplasia 8. Last evaluated: 2025-03-21. Review status: criteria provided, single submitter. Criteria: Invitae Variant Classification Sherloc (09022015). Collection method: clinical testing. Allele origin: germline.

All of Us Research Program, National Institutes of Health
Classification: Likely benign for Arrhythmogenic cardiomyopathy with wooly hair and keratoderma. Last evaluated: 2023-10-06. Review status: criteria provided, single submitter. Criteria: ACMG Guidelines, 2015. Collection method: clinical testing. Allele origin: germline. Inheritance: Autosomal dominant inheritance. Observed: 1 variant allele, 1 heterozygote.
Comment: This study involves interpretation of variants in research participants for the purpose of population health screening. Participant phenotype was not available at the time of variant classification. Additional details can be found in publication PMID: 35346344, PMCID: PMC8962531

Color Diagnostics, LLC DBA Color Health
Classification: Likely benign for Cardiomyopathy. Last evaluated: 2021-02-16. Review status: criteria provided, single submitter. Criteria: ACMG Guidelines, 2015. Collection method: clinical testing. Allele origin: germline.

NM_004415.4(DSP):c.8442C>T (p.Pro2814=)

Gene: DSP (desmoplakin; plus strand). Cytogenetic location: 6p24.3.
Variant type: single nucleotide variant.
Coding change: c.8442C>T on transcript NM_004415.4 (MANE Select); coding-DNA position 8442, C replaced by T.
Protein change: p.Pro2814=; no amino-acid change (proline 2814 retained).
Molecular consequence: synonymous variant.
Genome position (GRCh38, 1-based): chr6:7,585,704, C>T. VCF-style: chr6-7585704-C-T. GRCh37 (hg19) VCF-style: chr6-7585937-C-T.
Other names: c.6645C>T, p.Pro2215= (NM_001008844.3); c.7113C>T, p.Pro2371= (NM_001319034.2).
Identifiers: ClinVar variation 1172214 (VCV001172214.11), dbSNP rs1581826610, ClinGen allele CA448717202.